The following is an entry in ClinVar:

NM_004252.5(NHERF1):c.805A>G (p.Ser269Gly)

Gene: NHERF1 (NHERF family PDZ scaffold protein 1; plus strand). Cytogenetic location: 17q25.1.
Variant type: single nucleotide variant.
Coding change: c.805A>G on transcript NM_004252.5 (MANE Select); coding-DNA position 805, A replaced by G.
Protein change: p.Ser269Gly; replaces serine 269 with glycine.
Molecular consequence: missense variant.
Genome position (GRCh38, 1-based): chr17:74,768,153, A>G. VCF-style: chr17-74768153-A-G. GRCh37 (hg19) VCF-style: chr17-72764292-A-G.
Other names: c.805A>G (NM_004252.3); short protein forms S269G.
Identifiers: ClinVar variation 2738392 (VCV002738392.5), dbSNP rs755665225, ClinGen allele CA8750781.
Genomic context (GRCh38, chr17:74,768,153, plus strand): 5'-CAGGACCCCCTCACCCCATCCTCTGACAACCCACAACCCTCTCCTCTCTGCCAGGAGAAC[A>G]GTCGTGAAGCCCTGGCAGAGGCAGCCTTGGAGAGCCCCAGGCCAGCCCTGGTGAGATCCG-3'
Protein context (NP_004243.1, residues 259-279): FTNGEIQKEN[Ser269Gly]REALAEAALE

ClinVar aggregate classification (germline): Uncertain significance. Review status: criteria provided, multiple submitters, no conflicts (2 of 4 stars). 3 submissions from 3 submitters: Uncertain significance (3). Last evaluated 2024-08-05.

Conditions:
Dominant hypophosphatemia with nephrolithiasis or osteoporosis. Identifiers: Orphanet 244305, MedGen C5191009, MONDO:0016579.
Inborn genetic diseases. Identifiers: MedGen C0950123, MeSH D030342.

Allele frequency attached by ClinVar (database versions not stated): ExAC 0.00002; gnomAD 0.00002; TOPMed 0.00003; gnomAD exomes 0.00010.
gnomAD v4.1: 157 of 1,609,550 alleles (0.0098%); highest among the groups gnomAD compares: Non-Finnish European, 0.012%; no homozygotes.

Submissions (3):

Ambry Genetics
Classification: Uncertain significance for Inborn genetic diseases. Last evaluated: 2024-08-05. Review status: criteria provided, single submitter. Criteria: Ambry Variant Classification Scheme 2023. Collection method: clinical testing. Allele origin: germline.

Labcorp Genetics (formerly Invitae), Labcorp
Classification: Uncertain significance. Last evaluated: 2022-10-04. Review status: criteria provided, single submitter. Criteria: Invitae Variant Classification Sherloc (09022015). Collection method: clinical testing. Allele origin: germline.
Comment: This sequence change replaces serine, which is neutral and polar, with glycine, which is neutral and non-polar, at codon 269 of the SLC9A3R1 protein (p.Ser269Gly). In summary, the available evidence is currently insufficient to determine the role of this variant in disease. Therefore, it has been classified as a Variant of Uncertain Significance. Algorithms developed to predict the effect of missense changes on protein structure and function (SIFT, PolyPhen-2, Align-GVGD) all suggest that this variant is likely to be tolerated. This variant has not been reported in the literature in individuals affected with SLC9A3R1-related conditions. This variant is present in population databases (rs755665225, gnomAD 0.007%).

Department of Pathology and Laboratory Medicine, Sinai Health System
Classification: Uncertain significance for dominant hypophosphatemia with nephrolithiasis or osteoporosis. Last evaluated: 2022-05-10. Review status: criteria provided, single submitter. Criteria: ACMG Guidelines, 2015. Collection method: research. Allele origin: germline.